The following is an entry in ClinVar:

ClinVar aggregate classification (germline): Uncertain significance (1 of 4 stars; one submission).

Conditions:
Marfan syndrome (MFS). Also called: MARFAN SYNDROME, TYPE I; Marfan syndrome type 1; Marfan's syndrome; Marfan syndrome, classic; FBN1-Related Marfan Syndrome. Identifiers: Orphanet 284963, Orphanet 558, MedGen C0024796, MONDO:0007947, OMIM 154700.
Familial thoracic aortic aneurysm and aortic dissection (TAAD). Also called: Thoracic aortic aneurysms and dissections. Identifiers: Orphanet 91387, MedGen C4707243, MONDO:0019625.

Submission:

Labcorp Genetics (formerly Invitae), Labcorp
Classification: Uncertain significance for Marfan syndrome; Familial thoracic aortic aneurysm and aortic dissection. Last evaluated: 2021-01-09. Review status: criteria provided, single submitter. Criteria: Invitae Variant Classification Sherloc (09022015). Collection method: clinical testing. Allele origin: germline.
Comment: In summary, the available evidence is currently insufficient to determine the role of this variant in disease. Therefore, it has been classified as a Variant of Uncertain Significance. Algorithms developed to predict the effect of missense changes on protein structure and function are either unavailable or do not agree on the potential impact of this missense change (SIFT: "Deleterious"; PolyPhen-2: "Probably Damaging"; Align-GVGD: "Class C0"). This variant has been observed in individual(s) with clinical features of FBN1-related conditions (Invitae). This variant is not present in population databases (ExAC no frequency). This sequence change replaces isoleucine with threonine at codon 1757 of the FBN1 protein (p.Ile1757Thr). The isoleucine residue is highly conserved and there is a moderate physicochemical difference between isoleucine and threonine.

NM_000138.5(FBN1):c.5270T>C (p.Ile1757Thr)

Gene: FBN1 (fibrillin 1; minus strand). Cytogenetic location: 15q21.1.
Variant type: single nucleotide variant.
Coding change: c.5270T>C on transcript NM_000138.5 (MANE Select); coding-DNA position 5270, T replaced by C.
Protein change: p.Ile1757Thr; replaces isoleucine 1757 with threonine.
Molecular consequence: missense variant.
Genome position (GRCh38, 1-based): chr15:48,460,272, A>G on the plus strand (T>C on the coding strand, the complement: FBN1 is on the minus strand). VCF-style: chr15-48460272-A-G. GRCh37 (hg19) VCF-style: chr15-48752469-A-G.
Other names: short protein forms I1757T.
Identifiers: ClinVar variation 1496136 (VCV001496136.8), dbSNP rs2141264003, ClinGen allele CA392348004.